The following is an entry in ClinVar:

NM_000359.3(TGM1):c.832G>C (p.Gly278Arg)

Gene: TGM1 (transglutaminase 1; minus strand). Cytogenetic location: 14q12.
Variant type: single nucleotide variant.
Coding change: c.832G>C on transcript NM_000359.3 (MANE Select); coding-DNA position 832, G replaced by C.
Protein change: p.Gly278Arg; replaces glycine 278 with arginine.
Molecular consequence: missense variant.
Genome position (GRCh38, 1-based): chr14:24,259,984, C>G on the plus strand (G>C on the coding strand, the complement: TGM1 is on the minus strand). VCF-style: chr14-24259984-C-G. GRCh37 (hg19) VCF-style: chr14-24729190-C-G.
Other names: short protein forms G278R.
Identifiers: ClinVar variation 2137574 (VCV002137574.4), dbSNP rs121918725, ClinGen allele CA389269985.
Genomic context (GRCh38, chr14:24,259,984, plus strand): 5'-GCCAGCCGCACCATACCTGGCCGTAGTTCCAGGTCCGCTCACCAATCTGTGCTTCGGTCC[C>G]GTAGTAAATTCTCCCAGACTCATTAAGAACATACTCCTGCCGCCAATCCTCATGGTCCAC-3'
Protein context (NP_000350.1, residues 268-288): VLNESGRIYY[Gly278Arg]TEAQIGERTW

ClinVar aggregate classification (germline): Pathogenic (1 of 4 stars; one submission).

gnomAD v4.1: 1 of 1,614,182 alleles (0.000062%); highest among the groups gnomAD compares: Non-Finnish European, 0.000085%; no homozygotes.

Submission:

Labcorp Genetics (formerly Invitae), Labcorp
Classification: Pathogenic. Last evaluated: 2024-01-07. Review status: criteria provided, single submitter. Criteria: Invitae Variant Classification Sherloc (09022015). Collection method: clinical testing. Allele origin: germline.
Comment: This sequence change replaces glycine, which is neutral and non-polar, with arginine, which is basic and polar, at codon 278 of the TGM1 protein (p.Gly278Arg). This variant is not present in population databases (gnomAD no frequency). This missense change has been observed in individual(s) with ichthyosis (PMID: 11298529, 12542526). In at least one individual the data is consistent with being in trans (on the opposite chromosome) from a pathogenic variant. It has also been observed to segregate with disease in related individuals. ClinVar contains an entry for this variant (Variation ID: 2137574). Advanced modeling of protein sequence and biophysical properties (such as structural, functional, and spatial information, amino acid conservation, physicochemical variation, residue mobility, and thermodynamic stability) performed at Invitae indicates that this missense variant is expected to disrupt TGM1 protein function with a positive predictive value of 95%. Experimental studies have shown that this missense change affects TGM1 function (PMID: 12542526). For these reasons, this variant has been classified as Pathogenic.

Literature cited by the submitters: PubMed 11298529; PubMed 12542526.